The following is an entry in ClinVar:

ClinVar aggregate classification (germline): Likely pathogenic. Review status: criteria provided, single submitter (1 of 4 stars). 2 submissions from 2 submitters: Likely pathogenic (1). 1 of the submissions does not count toward it.

Conditions:
Focal segmental glomerulosclerosis 5 (FSGS5). Identifiers: Orphanet 656, MedGen C2750475, MONDO:0013191, OMIM 613237.

Allele frequency attached by ClinVar (database versions not stated): gnomAD exomes below 0.00001.
gnomAD v4.1: 2 of 1,602,810 alleles (0.00012%); highest among the groups gnomAD compares: Admixed American, 0.0017%; no homozygotes.

Submissions (2):

Juno Genomics, Hangzhou Juno Genomics, Inc
Classification: Likely pathogenic for Focal segmental glomerulosclerosis 5. Review status: criteria provided, single submitter. Criteria: ACMG Guidelines, 2015. Collection method: clinical testing. Allele origin: germline.
Comment: Absent from controls (or at extremely low frequency if recessive) in Genome Aggregation Database.;Well-established in vitro or in vivo functional studies supportive of a damaging effect on the gene or gene product.;Co-segregation with disease in multiple affected family members.

Bioscientia Institut fuer Medizinische Diagnostik GmbH, Sonic Healthcare
Classification: Pathogenic for Focal segmental glomerulosclerosis 5. Last evaluated: 2019-06-03. Review status: no assertion criteria provided. Collection method: clinical testing. Allele origin: germline. Affected: yes. Not counted in ClinVar's aggregate classification.

NM_022489.4(INF2):c.254C>G (p.Ser85Trp)

Gene: INF2 (inverted formin 2; plus strand). Cytogenetic location: 14q32.33.
Variant type: single nucleotide variant.
Coding change: c.254C>G on transcript NM_022489.4 (MANE Select); coding-DNA position 254, C replaced by G.
Protein change: p.Ser85Trp; replaces serine 85 with tryptophan.
Molecular consequence: missense variant.
Genome position (GRCh38, 1-based): chr14:104,701,619, C>G. VCF-style: chr14-104701619-C-G. GRCh37 (hg19) VCF-style: chr14-105167956-C-G.
Other names: c.254C>G, p.Ser85Trp (NM_001031714.4, NM_032714.3); short protein forms S85W.
Identifiers: ClinVar variation 829855 (VCV000829855.4), dbSNP rs1317776692, ClinGen allele CA391225647.
Genomic context (GRCh38, chr14:104,701,619, plus strand): 5'-TGGTGCAGTTCCTGGAGCAGAGCGGCCTGGACCTGCTGCTGGAGGCGCTGGCGCGGCTGT[C>G]GGGCCGCGGCGTTGCACGTATCTCCGACGCCCTGCTGCAGCTCACCTGCGTCAGCTGCGT-3'
Protein context (NP_071934.3, residues 75-95): DLLLEALARL[Ser85Trp]GRGVARISDA